The following is an entry in ClinVar:

NM_024721.5(ZFHX4):c.5065C>T (p.Gln1689Ter)

Gene: ZFHX4 (zinc finger homeobox 4; plus strand). Cytogenetic location: 8q21.13.
Variant type: single nucleotide variant.
Coding change: c.5065C>T on transcript NM_024721.5 (MANE Select); coding-DNA position 5065, C replaced by T.
Protein change: p.Gln1689Ter; replaces glutamine 1689 with a stop codon.
Molecular consequence: nonsense.
Genome position (GRCh38, 1-based): chr8:76,851,986, C>T. VCF-style: chr8-76851986-C-T. GRCh37 (hg19) VCF-style: chr8-77764222-C-T.
Other names: c.4987C>T, p.Gln1663Ter (NM_001410934.1); short protein forms Q1663*, Q1689*.
Identifiers: ClinVar variation 3900270 (VCV003900270.1).

ClinVar aggregate classification (germline): Uncertain significance (1 of 4 stars; one submission).

Submission:

GeneDx
Classification: Uncertain significance. Last evaluated: 2022-07-21. Review status: criteria provided, single submitter. Criteria: GeneDx Variant Classification Process June 2021. Collection method: clinical testing. Allele origin: germline. Affected: yes.
Comment: Nonsense variant predicted to result in protein truncation or nonsense mediated decay in a gene or region of a gene for which loss of function is not a well-established mechanism of disease; Not observed at significant frequency in large population cohorts (gnomAD); Has not been previously published as pathogenic or benign to our knowledge; Variants in candidate genes are classified as variants of uncertain significance in accordance with ACMG guidelines (Richards et al., 2015)